The following is an entry in ClinVar:

NM_000090.4(COL3A1):c.798+6T>C

Gene: COL3A1 (collagen type III alpha 1 chain; plus strand). Cytogenetic location: 2q32.2.
Variant type: single nucleotide variant.
Coding change: c.798+6T>C on transcript NM_000090.4 (MANE Select); 6 bases into the intron after coding-DNA position 798, T replaced by C.
Molecular consequence: intron variant.
Genome position (GRCh38, 1-based): chr2:188,990,366, T>C. VCF-style: chr2-188990366-T-C. GRCh37 (hg19) VCF-style: chr2-189855092-T-C.
Identifiers: ClinVar variation 2828921 (VCV002828921.3), dbSNP rs2469118703, ClinGen allele CA2662287287.
Genomic context (GRCh38, chr2:188,990,366, plus strand): 5'-GGGTATCAAAGGTCCAGCTGGGATACCTGGATTCCCTGGTATGAAAGGACACAGAGTAAG[T>C]AGAGTTTCTAAGTTGTTTACAAGGTATTCCACTGGGCTATGTTTACTTGCCTAACCAATT-3'

ClinVar aggregate classification (germline): Uncertain significance (1 of 4 stars; one submission).

Conditions:
Ehlers-Danlos syndrome, type 4 (EDSVASC). Also called: Ehlers-Danlos syndrome vascular type; Ehlers Danlos syndrome, ecchymotic type; Ehlers Danlos syndrome, arterial type; Ehlers Danlos syndrome, Sack-Barabas type; Ehlers-Danlos Syndrome Type IV. Identifiers: Orphanet 286, MedGen C0268338, MONDO:0017314, OMIM 130050.

Allele frequency attached by ClinVar (database versions not stated): gnomAD exomes below 0.00001.
gnomAD v4.1: 1 of 1,612,040 alleles (0.000062%); highest among the groups gnomAD compares: Non-Finnish European, 0.000085%; no homozygotes.

Submission:

Labcorp Genetics (formerly Invitae), Labcorp
Classification: Uncertain significance for Ehlers-Danlos syndrome, type 4. Last evaluated: 2023-01-15. Review status: criteria provided, single submitter. Criteria: Invitae Variant Classification Sherloc (09022015). Collection method: clinical testing. Allele origin: germline.
Comment: This sequence change falls in intron 10 of the COL3A1 gene. It does not directly change the encoded amino acid sequence of the COL3A1 protein. It affects a nucleotide within the consensus splice site. This variant is not present in population databases (gnomAD no frequency). In summary, the available evidence is currently insufficient to determine the role of this variant in disease. Therefore, it has been classified as a Variant of Uncertain Significance. Variants that disrupt the consensus splice site are a relatively common cause of aberrant splicing (PMID: 17576681, 9536098). Algorithms developed to predict the effect of sequence changes on RNA splicing suggest that this variant may create or strengthen a splice site. This variant has not been reported in the literature in individuals affected with COL3A1-related conditions.

Literature cited by the submitters: PubMed 17576681; PubMed 9536098.